The following is an entry in ClinVar:

NM_000170.3(GLDC):c.704C>G (p.Thr235Ser)

Gene: GLDC (glycine decarboxylase; minus strand). Cytogenetic location: 9p24.1.
Variant type: single nucleotide variant.
Coding change: c.704C>G on transcript NM_000170.3 (MANE Select); coding-DNA position 704, C replaced by G.
Protein change: p.Thr235Ser; replaces threonine 235 with serine.
Molecular consequence: missense variant.
Genome position (GRCh38, 1-based): chr9:6,606,601, G>C on the plus strand (C>G on the coding strand, the complement: GLDC is on the minus strand). VCF-style: chr9-6606601-G-C. GRCh37 (hg19) VCF-style: chr9-6606601-G-C.
Other names: short protein forms T235S.
Identifiers: ClinVar variation 2063536 (VCV002063536.3), dbSNP rs765805899, ClinGen allele CA4981031.

ClinVar aggregate classification (germline): Uncertain significance. Review status: criteria provided, multiple submitters, no conflicts (2 of 4 stars). 3 submissions from 3 submitters: Uncertain significance (3). Last evaluated 2024-11-13.

Conditions:
Glycine encephalopathy. Also called: Nonketotic hyperglycinemia; Non-ketotic hyperglycinemia. Identifiers: Orphanet 407, MedGen C0751748, MONDO:0011612, HP:0008288.

Allele frequency attached by ClinVar (database versions not stated): TOPMed 0.00001; ExAC 0.00002; gnomAD 0.00002.
gnomAD v4.1: 32 of 1,585,846 alleles (0.002%); highest among the groups gnomAD compares: Middle Eastern, 0.017%; no homozygotes.

Submissions (3):

Blueprint Genetics
Classification: Uncertain significance. Last evaluated: 2024-11-13. Review status: criteria provided, single submitter. Criteria: ACMG Guidelines, 2015. Collection method: clinical testing. Allele origin: germline.

GeneDx
Classification: Uncertain significance. Last evaluated: 2024-05-26. Review status: criteria provided, single submitter. Criteria: GeneDx Variant Classification Process June 2021. Collection method: clinical testing. Allele origin: germline. Affected: yes.
Comment: Not observed at significant frequency in large population cohorts (gnomAD); In silico analysis supports that this missense variant has a deleterious effect on protein structure/function; Has not been previously published as pathogenic or benign to our knowledge

Labcorp Genetics (formerly Invitae), Labcorp
Classification: Uncertain significance for Glycine encephalopathy. Last evaluated: 2022-09-14. Review status: criteria provided, single submitter. Criteria: Invitae Variant Classification Sherloc (09022015). Collection method: clinical testing. Allele origin: germline.
Comment: This sequence change replaces threonine, which is neutral and polar, with serine, which is neutral and polar, at codon 235 of the GLDC protein (p.Thr235Ser). This variant is present in population databases (rs765805899, gnomAD 0.007%). This variant has not been reported in the literature in individuals affected with GLDC-related conditions. Advanced modeling of protein sequence and biophysical properties (such as structural, functional, and spatial information, amino acid conservation, physicochemical variation, residue mobility, and thermodynamic stability) performed at Invitae indicates that this missense variant is not expected to disrupt GLDC protein function. In summary, the available evidence is currently insufficient to determine the role of this variant in disease. Therefore, it has been classified as a Variant of Uncertain Significance.